The following is an entry in ClinVar:

NM_001142800.2(EYS):c.8627G>T (p.Gly2876Val)

Genes: EYS (EGF-like photoreceptor maintenance factor; minus strand), PHF3 (PHD finger protein 3; plus strand). Cytogenetic location: 6q12.
Variant type: single nucleotide variant.
Coding change: c.8627G>T on transcript NM_001142800.2 (MANE Select); coding-DNA position 8627, G replaced by T.
Protein change: p.Gly2876Val; replaces glycine 2876 with valine.
Molecular consequence: missense variant. On other transcripts: 3 prime UTR variant (5).
Genome position (GRCh38, 1-based): chr6:63,721,404, C>A on the plus strand (G>T on the coding strand, the complement: EYS is on the minus strand). VCF-style: chr6-63721404-C-A. GRCh37 (hg19) VCF-style: chr6-64431300-C-A.
Other names: c.*7696C>A (NM_001290259.2, NM_001370348.2, NM_001370349.2 and 2 more transcripts); c.8690G>T, p.Gly2897Val (NM_001292009.2); short protein forms G2876V, G2897V.
Identifiers: ClinVar variation 853384 (VCV000853384.9), dbSNP rs746440557, ClinGen allele CA140236838.

ClinVar aggregate classification (germline): Uncertain significance. Review status: criteria provided, multiple submitters, no conflicts (2 of 4 stars). 5 submissions from 5 submitters: Uncertain significance (4). 1 of the submissions does not count toward it. Last evaluated 2026-09-01.

Conditions:
Autosomal recessive retinitis pigmentosa. Identifiers: MedGen C0339526.
EYS-related disorder. Also called: EYS-related condition.
Inborn genetic diseases. Identifiers: MedGen C0950123, MeSH D030342.

Allele frequency attached by ClinVar (database versions not stated): gnomAD 0.00001 and 0.00003; gnomAD exomes 0.00001; TOPMed 0.00001.
gnomAD v4.1: 11 of 1,551,380 alleles (0.00071%); highest among the groups gnomAD compares: Admixed American, 0.012%; no homozygotes.

Submissions (5):

PreventionGenetics, part of Exact Sciences
Classification: Uncertain significance for EYS-related condition. Last evaluated: 2026-09-01. Review status: criteria provided, single submitter. Criteria: ACMG Guidelines, 2015. Collection method: clinical testing. Allele origin: germline.
Comment: The EYS c.8627G>T variant is predicted to result in the amino acid substitution p.Gly2876Val. This variant was previously reported, along with a protein-truncating variant, in a patient with retinal disease (Esteve-Garcia et al. 2025. PubMed ID: 40926010). This variant is reported in 0.0040% of alleles in individuals of Latino descent in gnomAD. At this time, the clinical significance of this variant is uncertain due to the absence of conclusive functional and genetic evidence.

Ambry Genetics
Classification: Uncertain significance for Inborn genetic diseases. Last evaluated: 2025-04-12. Review status: criteria provided, single submitter. Criteria: Ambry Variant Classification Scheme 2023. Collection method: clinical testing. Allele origin: germline.

Labcorp Genetics (formerly Invitae), Labcorp
Classification: Uncertain significance. Last evaluated: 2024-10-16. Review status: criteria provided, single submitter. Criteria: Invitae Variant Classification Sherloc (09022015). Collection method: clinical testing. Allele origin: germline.
Comment: This sequence change replaces glycine, which is neutral and non-polar, with valine, which is neutral and non-polar, at codon 2876 of the EYS protein (p.Gly2876Val). This variant is present in population databases (rs746440557, gnomAD 0.004%). This variant has not been reported in the literature in individuals affected with EYS-related conditions. ClinVar contains an entry for this variant (Variation ID: 853384). Invitae Evidence Modeling of protein sequence and biophysical properties (such as structural, functional, and spatial information, amino acid conservation, physicochemical variation, residue mobility, and thermodynamic stability) indicates that this missense variant is expected to disrupt EYS protein function with a positive predictive value of 80%. In summary, the available evidence is currently insufficient to determine the role of this variant in disease. Therefore, it has been classified as a Variant of Uncertain Significance.

Blueprint Genetics
Classification: Uncertain significance. Last evaluated: 2022-12-12. Review status: criteria provided, single submitter. Criteria: ACMG Guidelines, 2015. Collection method: clinical testing. Allele origin: germline.

Natera, Inc.
Classification: Uncertain significance for Autosomal recessive retinitis pigmentosa. Last evaluated: 2020-09-16. Review status: no assertion criteria provided. Collection method: clinical testing. Allele origin: germline. Not counted in ClinVar's aggregate classification.